The following is an entry in ClinVar:

NM_024577.4(SH3TC2):c.*16631G>A

Gene: SH3TC2 (SH3 domain and tetratricopeptide repeats 2; minus strand). Cytogenetic location: 5q32.
Variant type: single nucleotide variant.
Coding change: c.*16631G>A on transcript NM_024577.4 (MANE Select); 16631 bases downstream of the stop codon, G replaced by A.
Molecular consequence: 3 prime UTR variant.
Genome position (GRCh38, 1-based): chr5:148,988,080, C>T on the plus strand (G>A on the coding strand, the complement: SH3TC2 is on the minus strand). VCF-style: chr5-148988080-C-T. GRCh37 (hg19) VCF-style: chr5-148367643-C-T.
Identifiers: ClinVar variation 351634 (VCV000351634.5), dbSNP rs4705303, ClinGen allele CA10620588.

ClinVar aggregate classification (germline): Benign. Review status: criteria provided, single submitter (1 of 4 stars). 2 submissions from 1 submitter: Benign (2). Last evaluated 2018-01-12.

Conditions:
Charcot-Marie-Tooth disease type 4C (CMT4C). Also called: CHARCOT-MARIE-TOOTH DISEASE, DEMYELINATING, AUTOSOMAL RECESSIVE, TYPE 4C; CMT 4C; Charcot-Marie-Tooth Neuropathy Type 4C (CMT4C); CHARCOT-MARIE-TOOTH DISEASE, DEMYELINATING, TYPE 4C; SH3TC2-Related Hereditary Motor and Sensory Neuropathy. Identifiers: Orphanet 99949, MedGen C1866636, MONDO:0011113, OMIM 601596.
Susceptibility to mononeuropathy of the median nerve, mild. Also called: CARPAL TUNNEL SYNDROME, SUSCEPTIBILITY TO. Identifiers: MedGen C3150596, MONDO:0013237, OMIM 613353.

Allele frequency attached by ClinVar (database versions not stated): TOPMed 0.44919; gnomAD 0.45194 and 0.45741; 1000 Genomes Project 30x 0.45347; 1000 Genomes Project 0.46126.
gnomAD v4.1: 69,504 of 151,914 alleles (46%); highest among the groups gnomAD compares: East Asian, 62%; 17,062 homozygotes.

Submissions (2):

Illumina Laboratory Services, Illumina
Classification: Benign for Susceptibility to mononeuropathy of the median nerve, mild. Last evaluated: 2018-01-12. Review status: criteria provided, single submitter. Criteria: ICSL Variant Classification Criteria 13 December 2019. Collection method: clinical testing. Allele origin: germline.
Comment: This variant was observed in the ICSL laboratory as part of a predisposition screen in an ostensibly healthy population. It had not been previously curated by ICSL or reported in the Human Gene Mutation Database (HGMD: prior to June 1st, 2018), and was therefore a candidate for classification through an automated scoring system. Utilizing variant allele frequency, disease prevalence and penetrance estimates, and inheritance mode, an automated score was calculated to assess if this variant is too frequent to cause the disease. Based on the score and internal cut-off values, a variant classified as benign is not then subjected to further curation. The score for this variant resulted in a classification of benign for this disease.

Illumina Laboratory Services, Illumina
Classification: Benign for Charcot-Marie-Tooth disease type 4C. Last evaluated: 2018-01-12. Review status: criteria provided, single submitter. Criteria: ICSL Variant Classification Criteria 13 December 2019. Collection method: clinical testing. Allele origin: germline.
Comment: the same text as in the submission from Illumina Laboratory Services, Illumina above.